The following is an entry in ClinVar:

NM_001077350.3(NPRL3):c.1628T>G (p.Leu543Arg)

Gene: NPRL3 (NPR3 like, GATOR1 complex subunit; minus strand). Cytogenetic location: 16p13.3.
Variant type: single nucleotide variant.
Coding change: c.1628T>G on transcript NM_001077350.3 (MANE Select); coding-DNA position 1628, T replaced by G.
Protein change: p.Leu543Arg; replaces leucine 543 with arginine.
Molecular consequence: missense variant.
Genome position (GRCh38, 1-based): chr16:86,787, A>C on the plus strand (T>G on the coding strand, the complement: NPRL3 is on the minus strand). VCF-style: chr16-86787-A-C. GRCh37 (hg19) VCF-style: chr16-136786-A-C.
Other names: c.1091T>G, p.Leu364Arg (NM_001039476.3); c.1394T>G, p.Leu465Arg (NM_001243247.2); c.1553T>G, p.Leu518Arg (NM_001243248.2, NM_001243249.2); short protein forms L465R, L518R, L543R, L364R.
Identifiers: ClinVar variation 3657606 (VCV003657606.2).
Genomic context (GRCh38, chr16:86,787, plus strand): 5'-ACGGCAATGACAGGGTCCTCGTGGGTGGTCACCACCAGCACGCTGCGGAACTTGTCAAAC[A>C]GCATGAGCAGCTGGGAGCGCCGCGTGTTCTCGTTGTACATAATCTCCTCCAGGTGGTGGC-3'
Protein context (NP_001070818.1, residues 533-553): ENTRRSQLLM[Leu543Arg]FDKFRSVLVV

ClinVar aggregate classification (germline): Uncertain significance (1 of 4 stars; one submission).

Conditions:
Epilepsy, familial focal, with variable foci 3 (FFEVF3). Identifiers: MedGen C4310708, MONDO:0014925, OMIM 617118.

Submission:

Labcorp Genetics (formerly Invitae), Labcorp
Classification: Uncertain significance for Epilepsy, familial focal, with variable foci 3. Last evaluated: 2024-06-24. Review status: criteria provided, single submitter. Criteria: Invitae Variant Classification Sherloc (09022015). Collection method: clinical testing. Allele origin: germline.
Comment: This sequence change replaces leucine, which is neutral and non-polar, with arginine, which is basic and polar, at codon 543 of the NPRL3 protein (p.Leu543Arg). This variant is not present in population databases (gnomAD no frequency). This variant has not been reported in the literature in individuals affected with NPRL3-related conditions. Advanced modeling of protein sequence and biophysical properties (such as structural, functional, and spatial information, amino acid conservation, physicochemical variation, residue mobility, and thermodynamic stability) performed at Invitae indicates that this missense variant is expected to disrupt NPRL3 protein function with a positive predictive value of 80%. In summary, the available evidence is currently insufficient to determine the role of this variant in disease. Therefore, it has been classified as a Variant of Uncertain Significance.